The following is an entry in ClinVar:

NM_003477.3(PDHX):c.809A>G (p.Asn270Ser)

Gene: PDHX (pyruvate dehydrogenase complex component X; plus strand). Cytogenetic location: 11p13.
Variant type: single nucleotide variant.
Coding change: c.809A>G on transcript NM_003477.3 (MANE Select); coding-DNA position 809, A replaced by G.
Protein change: p.Asn270Ser; replaces asparagine 270 with serine.
Molecular consequence: missense variant. On other transcripts: intron variant (1).
Genome position (GRCh38, 1-based): chr11:34,966,807, A>G. VCF-style: chr11-34966807-A-G. GRCh37 (hg19) VCF-style: chr11-34988354-A-G.
Other names: c.629A>G, p.Asn210Ser (NM_001135024.2); c.343-17763A>G (NM_001166158.2); short protein forms N270S, N210S.
Identifiers: ClinVar variation 806645 (VCV000806645.48), dbSNP rs138205941, ClinGen allele CA5945997.

ClinVar aggregate classification (germline): Conflicting classifications of pathogenicity. Review status: criteria provided, conflicting classifications (1 of 4 stars). 4 submissions from 4 submitters: Uncertain significance (3); Likely benign (1). Last evaluated 2025-07-11.

Conditions:
Inborn genetic diseases. Identifiers: MedGen C0950123, MeSH D030342.

Allele frequency attached by ClinVar (database versions not stated): 1000 Genomes Project 0.00020; gnomAD exomes 0.00020 and 0.00023; ExAC 0.00023; ESP Exome Variant Server 0.00023; TOPMed 0.00023; gnomAD 0.00026 and 0.00027; 1000 Genomes Project 30x 0.00031.

Submissions (4):

Ambry Genetics
Classification: Likely benign for Inborn genetic diseases. Last evaluated: 2025-07-11. Review status: criteria provided, single submitter. Criteria: Ambry Variant Classification Scheme 2023. Collection method: clinical testing. Allele origin: germline.

GeneDx
Classification: Uncertain significance. Last evaluated: 2025-06-05. Review status: criteria provided, single submitter. Criteria: GeneDx Variant Classification Process June 2021. Collection method: clinical testing. Allele origin: germline. Affected: yes.
Comment: In silico analysis suggests that this missense variant does not alter protein structure/function; Has not been previously published as pathogenic or benign to our knowledge; In silico analysis is inconclusive as to whether the variant alters gene splicing. In the absence of RNA/functional studies, the actual effect of this sequence change is unknown.

Labcorp Genetics (formerly Invitae), Labcorp
Classification: Uncertain significance. Last evaluated: 2024-12-03. Review status: criteria provided, single submitter. Criteria: Invitae Variant Classification Sherloc (09022015). Collection method: clinical testing. Allele origin: germline.
Comment: This sequence change replaces asparagine, which is neutral and polar, with serine, which is neutral and polar, at codon 270 of the PDHX protein (p.Asn270Ser). This variant is present in population databases (rs138205941, gnomAD 0.09%). This variant has not been reported in the literature in individuals affected with PDHX-related conditions. ClinVar contains an entry for this variant (Variation ID: 806645). Invitae Evidence Modeling of protein sequence and biophysical properties (such as structural, functional, and spatial information, amino acid conservation, physicochemical variation, residue mobility, and thermodynamic stability) indicates that this missense variant is not expected to disrupt PDHX protein function with a negative predictive value of 80%. In summary, the available evidence is currently insufficient to determine the role of this variant in disease. Therefore, it has been classified as a Variant of Uncertain Significance.

CeGaT Center for Human Genetics Tuebingen
Classification: Uncertain significance. Last evaluated: 2024-09-01. Review status: criteria provided, single submitter. Criteria: CeGaT Center For Human Genetics Tuebingen Variant Classification Criteria Version 2. Collection method: clinical testing. Allele origin: germline. Affected: yes. Observed: 2 variant alleles.
Comment: PDHX: PM2, BP4